The following is an entry in ClinVar:

NM_002739.5(PRKCG):c.1524C>A (p.Pro508=)

Gene: PRKCG (protein kinase C gamma; plus strand). Cytogenetic location: 19q13.42.
Variant type: single nucleotide variant.
Coding change: c.1524C>A on transcript NM_002739.5 (MANE Select); coding-DNA position 1524, C replaced by A.
Protein change: p.Pro508=; no amino-acid change (proline 508 retained).
Molecular consequence: synonymous variant.
Genome position (GRCh38, 1-based): chr19:53,900,698, C>A. VCF-style: chr19-53900698-C-A. GRCh37 (hg19) VCF-style: chr19-54403952-C-A.
Other names: p.Pro508=; c.1524C>A, p.Pro508= (NM_001316329.2).
Identifiers: ClinVar variation 194377 (VCV000194377.9), dbSNP rs115736276, ClinGen allele CA240308.

ClinVar aggregate classification (germline): Conflicting classifications of pathogenicity. Review status: criteria provided, conflicting classifications (1 of 4 stars). 5 submissions from 5 submitters: Uncertain significance (1); Benign (1); Likely benign (3). Last evaluated 2026-06-15.

Allele frequency attached by ClinVar (database versions not stated): ExAC 0.00021; 1000 Genomes Project 30x 0.00031; 1000 Genomes Project 0.00040; gnomAD 0.00068 and 0.00076; TOPMed 0.00079; ESP Exome Variant Server 0.00092.
gnomAD v4.1: 195 of 1,614,208 alleles (0.012%); highest among the groups gnomAD compares: African/African-American, 0.25%; no homozygotes.

Submissions (5):

Women's Health and Genetics/Laboratory Corporation of America, LabCorp
Classification: Likely benign. Last evaluated: 2026-06-15. Review status: criteria provided, single submitter. Criteria: LabCorp Variant Classification Summary - May 2015. Collection method: clinical testing. Allele origin: germline.

Mayo Clinic Laboratories, Mayo Clinic
Classification: Likely benign. Last evaluated: 2025-05-12. Review status: criteria provided, single submitter. Criteria: ACMG Guidelines, 2015. Collection method: clinical testing. Allele origin: germline. Observed: 1 variant allele.
Comment: BS1, BP4, BP7

Blueprint Genetics
Classification: Likely benign. Last evaluated: 2024-07-15. Review status: criteria provided, single submitter. Criteria: ACMG Guidelines, 2015. Collection method: clinical testing. Allele origin: germline.

Athena Diagnostics
Classification: Benign. Last evaluated: 2019-12-27. Review status: criteria provided, single submitter. Criteria: Athena Diagnostics Criteria. Collection method: clinical testing. Allele origin: unknown.

Eurofins Ntd Llc (ga)
Classification: Uncertain significance. Last evaluated: 2014-11-08. Review status: criteria provided, single submitter. Criteria: EGL Classification Definitions 2015. Collection method: clinical testing. Allele origin: germline. Observed: 1 variant allele, 1 heterozygote.